The following is an entry in ClinVar:

ClinVar aggregate classification (germline): Pathogenic/Likely pathogenic. Review status: criteria provided, multiple submitters, no conflicts (2 of 4 stars). 6 submissions from 6 submitters: Pathogenic (5); Likely pathogenic (1). Last evaluated 2025-02-11.

Conditions:
Hereditary breast ovarian cancer syndrome. Also called: Hereditary breast and ovarian cancer; Hereditary breast and ovarian cancer syndrome (HBOC); Breast and ovarian cancer; Hereditary breast and ovarian cancer syndrome; BRCA1- and BRCA2-Associated Hereditary Breast and Ovarian Cancer; Hereditary breast and/or ovarian cancer syndrome. Identifiers: Orphanet 145, MedGen C0677776, MeSH D061325, MONDO:0003582. Disease mechanism: loss of function.
Hereditary cancer-predisposing syndrome. Also called: Tumor predisposition; Neoplastic Syndromes, Hereditary; Hereditary neoplastic syndrome; Hereditary Cancer Syndrome. Identifiers: Orphanet 140162, MedGen C0027672, MeSH D009386, MONDO:0015356.

Submissions (6):

Quest Diagnostics Nichols Institute San Juan Capistrano
Classification: Pathogenic. Last evaluated: 2025-02-11. Review status: criteria provided, single submitter. Criteria: Quest Diagnostics criteria. Collection method: clinical testing. Allele origin: unknown.
Comment: The BRCA2 c.376C>T (p.Gln126*) variant causes the premature termination of BRCA2 protein synthesis. This variant has been reported in the published literature in an individual with breast cancer (PMID: 36551643 (2022)). This variant has not been reported in large, multi-ethnic general populations (Genome Aggregation Database). Based on the available information, this variant is classified as pathogenic.

Ambry Genetics
Classification: Pathogenic for Hereditary cancer-predisposing syndrome. Last evaluated: 2024-10-02. Review status: criteria provided, single submitter. Criteria: Ambry Variant Classification Scheme 2023. Collection method: clinical testing. Allele origin: germline.
Comment: The p.Q126* pathogenic mutation (also known as c.376C>T), located in coding exon 3 of the BRCA2 gene, results from a C to T substitution at nucleotide position 376. This changes the amino acid from a glutamine to a stop codon within coding exon 3. This variant is considered to be rare based on population cohorts in the Genome Aggregation Database (gnomAD). This alteration is expected to result in loss of function by premature protein truncation or nonsense-mediated mRNA decay. As such, this alteration is interpreted as a disease-causing mutation.

Institute for Genomic Medicine (IGM) Clinical Laboratory, Nationwide Children's Hospital
Classification: Pathogenic for Hereditary cancer-predisposing syndrome. Last evaluated: 2023-10-26. Review status: criteria provided, single submitter. Criteria: ACMG Guidelines, 2015. Collection method: clinical testing. Allele origin: germline.
Comment: This variant is predicted to result in loss of function through nonsense-mediated decay of the encoded transcript or premature truncation of the encoded protein in a gene in which loss of function is a known mechanism of disease (ACMG/AMP: PVS1). This variant has been reported at an elevated frequency in affected individuals/in multiple affected individuals in the literature (ACMG/AMP: PS4_Supporting). This variant is absent from or present at an exceedingly low frequency in gnomAD, a large-scale control population database (ACMG/AMP: PM2).

Labcorp Genetics (formerly Invitae), Labcorp
Classification: Pathogenic for Hereditary breast ovarian cancer syndrome. Last evaluated: 2023-10-10. Review status: criteria provided, single submitter. Criteria: Invitae Variant Classification Sherloc (09022015). Collection method: clinical testing. Allele origin: germline.
Comment: This sequence change creates a premature translational stop signal (p.Gln126*) in the BRCA2 gene. It is expected to result in an absent or disrupted protein product. Loss-of-function variants in BRCA2 are known to be pathogenic (PMID: 20104584). This variant is not present in population databases (gnomAD no frequency). This variant has not been reported in the literature in individuals affected with BRCA2-related conditions. ClinVar contains an entry for this variant (Variation ID: 633131). For these reasons, this variant has been classified as Pathogenic.

GeneDx
Classification: Pathogenic. Last evaluated: 2021-04-16. Review status: criteria provided, single submitter. Criteria: GeneDx Variant Classification Process June 2021. Collection method: clinical testing. Allele origin: germline. Affected: yes.
Comment: Observed in a breast cancer patient, co-occurring with 2 other nonsense variants (Huang 2021); Nonsense variant predicted to result in protein truncation or nonsense mediated decay in a gene for which loss-of-function is a known mechanism of disease; Not observed in large population cohorts (Lek 2016); Truncating variants in this gene are considered pathogenic by a well-established clinical consortium and/or database; Also known as 604C>T; This variant is associated with the following publications: (PMID: 33632156)

Women's Health and Genetics/Laboratory Corporation of America, LabCorp
Classification: Likely pathogenic for Hereditary breast and ovarian cancer syndrome. Last evaluated: 2018-12-04. Review status: criteria provided, single submitter. Criteria: LabCorp Variant Classification Summary - May 2015. Collection method: clinical testing. Allele origin: germline.
Comment: Variant summary: BRCA2 c.376C>T (p.Gln126X) results in a premature termination codon, predicted to cause a truncation of the encoded protein or absence of the protein due to nonsense mediated decay, which are commonly known mechanisms for disease. Truncations downstream of this position have been classified as pathogenic by our laboratory (eg. c.574_575delAT/p.Met192fsX13, c.658_659delGT/p.Val220fsX4). The variant was absent in 246020 control chromosomes. To our knowledge, no occurrence of c.376C>T in individuals affected with Hereditary Breast and Ovarian Cancer and no experimental evidence demonstrating its impact on protein function have been reported. Two clinical diagnostic laboratories have submitted clinical-significance assessments for this variant to ClinVar after 2014 without evidence for independent evaluation. Both laboratories classified the variant as pathogenic/likely pathogenic. Based on the evidence outlined above, the variant was classified as likely pathogenic.

Literature cited by the submitters: PubMed 36551643 (cited by Quest Diagnostics Nichols Institute San Juan Capistrano); PubMed 20104584 (cited by Labcorp Genetics (formerly Invitae), Labcorp).

NM_000059.4(BRCA2):c.376C>T (p.Gln126Ter)

Gene: BRCA2 (BRCA2 DNA repair associated; plus strand). Cytogenetic location: 13q13.1.
Variant type: single nucleotide variant.
Coding change: c.376C>T on transcript NM_000059.4 (MANE Select); coding-DNA position 376, C replaced by T.
Protein change: p.Gln126Ter; replaces glutamine 126 with a stop codon.
Molecular consequence: nonsense.
Genome position (GRCh38, 1-based): chr13:32,325,135, C>T. VCF-style: chr13-32325135-C-T. GRCh37 (hg19) VCF-style: chr13-32899272-C-T.
Other names: short protein forms Q126*.
Identifiers: ClinVar variation 633131 (VCV000633131.16), dbSNP rs1555280859, ClinGen allele CA387756647.
Genomic context (GRCh38, chr13:32,325,135, plus strand): 5'-GGAAGGAATGTTCCCAATAGTAGACATAAAAGTCTTCGCACAGTGAAAACTAAAATGGAT[C>T]AAGCAGATGATGTTTCCTGTCCACTTCTAAATTCTTGTCTTAGTGAAAGGTATGATGAAG-3'